The following is an entry in ClinVar:

ClinVar aggregate classification (germline): Conflicting classifications of pathogenicity. Review status: criteria provided, conflicting classifications (1 of 4 stars). 8 submissions from 8 submitters: Uncertain significance (4); Benign (1); Likely benign (3). Last evaluated 2026-01-28.

Conditions:
Hereditary cancer-predisposing syndrome. Also called: Hereditary Cancer Syndrome; Hereditary neoplastic syndrome; Neoplastic Syndromes, Hereditary; Tumor predisposition. Identifiers: Orphanet 140162, MedGen C0027672, MeSH D009386, MONDO:0015356.
Ovarian cancer. Also called: OVARIAN CANCER, SOMATIC. Identifiers: Orphanet 213500, MedGen C1140680, MONDO:0008170, OMIM 167000.
Hereditary breast ovarian cancer syndrome. Also called: Hereditary breast and ovarian cancer syndrome; BRCA1- and BRCA2-Associated Hereditary Breast and Ovarian Cancer; Breast and ovarian cancer; Hereditary breast and ovarian cancer; Hereditary breast and ovarian cancer syndrome (HBOC); Hereditary breast and/or ovarian cancer syndrome. Identifiers: Orphanet 145, MedGen C0677776, MeSH D061325, MONDO:0003582. Disease mechanism: loss of function.
Bloom syndrome (BLM). Also called: Bloom-Torre-Machacek syndrome. Identifiers: Orphanet 125, MedGen C0005859, MONDO:0008876, OMIM 210900.

Allele frequency attached by ClinVar (database versions not stated): gnomAD 0.00010 and 0.00012; TOPMed 0.00012; gnomAD exomes 0.00021; ExAC 0.00022; 1000 Genomes Project 30x 0.00047; 1000 Genomes Project 0.00060.
gnomAD v4.1: 256 of 1,614,154 alleles (0.016%); highest among the groups gnomAD compares: East Asian, 0.53%; 2 homozygotes.

Submissions (8):

Labcorp Genetics (formerly Invitae), Labcorp
Classification: Likely benign for Bloom syndrome. Last evaluated: 2026-01-28. Review status: criteria provided, single submitter. Criteria: Invitae Variant Classification Sherloc (09022015). Collection method: clinical testing. Allele origin: germline.

Quest Diagnostics Nichols Institute San Juan Capistrano
Classification: Likely benign. Last evaluated: 2025-11-04. Review status: criteria provided, single submitter. Criteria: Quest Diagnostics criteria. Collection method: clinical testing. Allele origin: unknown.

Women's Health and Genetics/Laboratory Corporation of America, LabCorp
Classification: Uncertain significance. Last evaluated: 2022-02-24. Review status: criteria provided, single submitter. Criteria: LabCorp Variant Classification Summary - May 2015. Collection method: clinical testing. Allele origin: germline.
Comment: Variant summary: BLM c.2839A>G (p.Ile947Val) results in a conservative amino acid change located in the Helicase, C-terminal domain (IPR001650) of the encoded protein sequence. Three of five in-silico tools predict a benign effect of the variant on protein function. The variant allele was found at a frequency of 0.00021 in 251454 control chromosomes, predominantly at a frequency of 0.0027 within the East Asian subpopulation in the gnomAD database. This frequency is not significantly higher than expected for a pathogenic variant in BLM causing Bloom Syndrome (0.00021 vs 0.0035), allowing no conclusion about variant significance. c.2839A>G has been reported in the literature as a VUS in settings of multigene panel testing among individuals affected with/undergoing testing for a variety of cancers (example, Kim_2019, Park_2018, Zhang_2019). These report(s) do not provide unequivocal conclusions about association of the variant with Bloom Syndrome. To our knowledge, no experimental evidence demonstrating an impact on protein function has been reported. Four clinical diagnostic laboratories have submitted clinical-significance assessments for this variant to ClinVar after 2014 without evidence for independent evaluation (Likely benign, n=1; VUS, n=3). Based on the evidence outlined above, the variant was classified as VUS-possibly benign.

Laboratory of Molecular Epidemiology of Birth Defects, West China Second University Hospital, Sichuan University
Classification: Benign for Ovarian cancer. Last evaluated: 2022-01-01. Review status: criteria provided, single submitter. Criteria: ACMG Guidelines, 2015. Collection method: clinical testing. Allele origin: germline. Affected: yes.

Sema4
Classification: Uncertain significance for Hereditary cancer-predisposing syndrome. Last evaluated: 2021-07-21. Review status: criteria provided, single submitter. Criteria: Sema4 Curation Guidelines. Collection method: curation. Allele origin: germline.
Comment: The BLM c.2839A>G (p.I947V) variant has been reported in heterozygosity in at least three individuals with breast cancer, colorectal cancer, or acute myeloid leukemia (PMID: 29338689, 30840646, 31360874). This variant was observed in 54/19952 chromosomes in the East Asian population, with no homozygotes, according to the Genome Aggregation Database (PMID: 32461654) and has been reported in ClinVar (Variation ID: 454121). Functional studies have not been performed, and in silico predictions of the variant's effect on protein function are inconclusive. Based on the current evidence available, this variant is interpreted as a variant of uncertain significance.

Ambry Genetics
Classification: Likely benign for Hereditary cancer-predisposing syndrome. Last evaluated: 2021-07-01. Review status: criteria provided, single submitter. Criteria: Ambry Variant Classification Scheme 2023. Collection method: clinical testing. Allele origin: germline.

Cancer Genomics Group, Japanese Foundation For Cancer Research
Classification: Uncertain significance for Hereditary breast and ovarian cancer syndrome. Last evaluated: 2019-05-01. Review status: criteria provided, single submitter. Criteria: ACMG Guidelines, 2015. Collection method: research. Allele origin: germline. Affected: yes.

Illumina Laboratory Services, Illumina
Classification: Uncertain significance for Bloom syndrome. Last evaluated: 2017-04-27. Review status: criteria provided, single submitter. Criteria: ICSL Variant Classification Criteria 13 December 2019. Collection method: clinical testing. Allele origin: germline.

Literature cited by the submitters: PubMed 30840646 (cited by 3 submitters); PubMed 31360874 (cited by Quest Diagnostics Nichols Institute San Juan Capistrano and Sema4); PubMed 29338689 (cited by Women's Health and Genetics/Laboratory Corporation of America, LabCorp and Sema4); PubMed 23129629 (cited by Ambry Genetics).

NM_000057.4(BLM):c.2839A>G (p.Ile947Val)

Gene: BLM (BLM RecQ like helicase; plus strand). Cytogenetic location: 15q26.1.
Variant type: single nucleotide variant.
Coding change: c.2839A>G on transcript NM_000057.4 (MANE Select); coding-DNA position 2839, A replaced by G.
Protein change: p.Ile947Val; replaces isoleucine 947 with valine.
Molecular consequence: missense variant.
Genome position (GRCh38, 1-based): chr15:90,790,664, A>G. VCF-style: chr15-90790664-A-G. GRCh37 (hg19) VCF-style: chr15-91333894-A-G.
Other names: c.2839A>G, p.Ile947Val (NM_001287246.2, NM_001287247.2); c.1714A>G, p.Ile572Val (NM_001287248.2); short protein forms I947V, I572V.
Identifiers: ClinVar variation 454121 (VCV000454121.28), dbSNP rs189925962, ClinGen allele CA7738884.